The following is an entry in ClinVar:

NC_012920.1(MT-CO3):m.9984G>A

Gene: MT-CO3 (mitochondrially encoded cytochrome c oxidase III; plus strand).
Variant type: single nucleotide variant.
Genome position: chrM-9984-G-A.
Identifiers: ClinVar variation 693257 (VCV000693257.1), dbSNP rs1603222608, ClinGen allele CA414804168.
Genomic context (GRCh38, chrMT:9,984, plus strand): 5'-TGATACTGGCATTTTGTAGATGTGGTTTGACTATTTCTGTATGTCTCCATCTATTGATGA[G>A]GGTCTTACTCTTTTAGTATAAATAGTACCGTTAACTTCCAATTAACTAGTTTTGACAACA-3'

ClinVar aggregate classification (germline): Uncertain significance (1 of 4 stars; one submission).

Conditions:
Leigh syndrome (NULS). Also called: Leigh's necrotizing encephalopathy; Leigh's disease; Leigh Syndrome (mtDNA deletion); Leigh Disease; Subacute necrotizing encephalopathy; Necrotizing encephalopathy infantile subacute of Leigh. Identifiers: Orphanet 506, MedGen C2931891, MONDO:0009723, OMIM 256000.

Submission:

Wong Mito Lab, Molecular and Human Genetics, Baylor College of Medicine
Classification: Uncertain significance for Leigh syndrome. Last evaluated: 2019-10-17. Review status: criteria provided, single submitter. Criteria: Modified ACMG Guidelines (Unpublished). Collection method: clinical testing. Allele origin: germline.
Comment: The NC_012920.1:m.9984G>A (YP_003024032.1:p.Gly260Ter) variant in MTCO3 gene is interpretated to be a Uncertain Significance variant based on the modified ACMG guidelines (unpublished). This variant meets the following evidence codes: PS6, PP4

Literature cited by the submitters: PubMed 17403843.